The following is an entry in ClinVar:

NM_000540.3(RYR1):c.3245T>G (p.Val1082Gly)

Gene: RYR1 (ryanodine receptor 1; plus strand). Cytogenetic location: 19q13.2.
Variant type: single nucleotide variant.
Coding change: c.3245T>G on transcript NM_000540.3 (MANE Select); coding-DNA position 3245, T replaced by G.
Protein change: p.Val1082Gly; replaces valine 1082 with glycine.
Molecular consequence: missense variant.
Genome position (GRCh38, 1-based): chr19:38,467,676, T>G. VCF-style: chr19-38467676-T-G. GRCh37 (hg19) VCF-style: chr19-38958316-T-G.
Other names: c.3245T>G, p.Val1082Gly (NM_001042723.2); short protein forms V1082G.
Identifiers: ClinVar variation 3073740 (VCV003073740.1), dbSNP rs771461266, ClinGen allele CA405637082.

ClinVar aggregate classification (germline): Uncertain significance (1 of 4 stars; one submission).

Conditions:
Malignant hyperthermia, susceptibility to, 1 (MHS1). Also called: Anesthesia related hyperthermia; Malignant hyperpyrexia; Fulminating hyperpyrexia; Pharmacogenic myopathy; RYR1-Related Malignant Hyperthermia Susceptibility; Malignant hyperthermia suceptibility 1. Identifiers: Orphanet 423, MedGen C2930980, MONDO:0007783, OMIM 145600.

Submission:

All of Us Research Program, National Institutes of Health
Classification: Uncertain significance for Malignant hyperthermia, susceptibility to, 1. Last evaluated: 2023-10-06. Review status: criteria provided, single submitter. Criteria: ACMG Guidelines, 2015. Collection method: clinical testing. Allele origin: germline. Inheritance: Autosomal dominant inheritance. Observed: 1 variant allele, 1 heterozygote.
Comment: This missense variant replaces valine with glycine at codon 1082 of the RYR1 protein. Computational prediction suggests that this variant may have deleterious impact on protein structure and function (internally defined REVEL score threshold >= 0.7, PMID: 27666373). To our knowledge, functional studies have not been reported for this variant. This variant has not been reported in individuals affected with RYR1-related disorders in the literature. This variant has not been identified in the general population by the Genome Aggregation Database (gnomAD). The available evidence is insufficient to determine the role of this variant in disease conclusively. Therefore, this variant is classified as a Variant of Uncertain Significance.

This study involves interpretation of variants in research participants for the purpose of population health screening. Participant phenotype was not available at the time of variant classification. Additional details can be found in publication PMID: 35346344, PMCID: PMC8962531